The following is an entry in ClinVar:

NM_000542.5(SFTPB):c.856+3G>A

Gene: SFTPB (surfactant protein B; minus strand). Cytogenetic location: 2p11.2.
Variant type: single nucleotide variant.
Coding change: c.856+3G>A on transcript NM_000542.5 (MANE Select); 3 bases into the intron after coding-DNA position 856, G replaced by A.
Molecular consequence: intron variant.
Genome position (GRCh38, 1-based): chr2:85,663,661, C>T on the plus strand (G>A on the coding strand, the complement: SFTPB is on the minus strand). VCF-style: chr2-85663661-C-T. GRCh37 (hg19) VCF-style: chr2-85890784-C-T.
Other names: p.?; c.856+3G>A (NM_198843.3, NM_001367281.1).
Identifiers: ClinVar variation 4684583 (VCV004684583.1).

ClinVar aggregate classification (germline): Likely benign (1 of 4 stars; one submission).

gnomAD v4.1: 9 of 1,610,138 alleles (0.00056%); highest among the groups gnomAD compares: Non-Finnish European, 0.00076%; no homozygotes.

Submission:

Mayo Clinic Laboratories, Mayo Clinic
Classification: Likely benign. Last evaluated: 2025-08-13. Review status: criteria provided, single submitter. Criteria: ACMG Guidelines, 2015. Collection method: clinical testing. Allele origin: germline. Observed: 1 variant allele.
Comment: BP4, BP7, PM2_supporting